The following is an entry in ClinVar:

NM_001308093.3(GATA4):c.76T>G (p.Phe26Val)

Gene: GATA4 (GATA binding protein 4). Cytogenetic location: 8p23.1.
Variant type: single nucleotide variant.
Coding change: c.76T>G on transcript NM_001308093.3 (MANE Select); coding-DNA position 76, T replaced by G.
Protein change: p.Phe26Val; replaces phenylalanine 26 with valine.
Molecular consequence: missense variant. On other transcripts: intron variant (3).
Genome position (GRCh38, 1-based): chr8:11,708,388, T>G. VCF-style: chr8-11708388-T-G. GRCh37 (hg19) VCF-style: chr8-11565897-T-G.
Other names: c.76T>G, p.Phe26Val (NM_002052.5); c.-6+7610T>G (NM_001308094.2); c.-3+374T>G (NM_001374274.1); c.-3+4084T>G (NM_001374273.1); short protein forms F26V.
Identifiers: ClinVar variation 518676 (VCV000518676.6), dbSNP rs1554488388, ClinGen allele CA370308765.

ClinVar aggregate classification (germline): Uncertain significance (1 of 4 stars; one submission).

Conditions:
Cardiovascular phenotype. Identifiers: MedGen CN230736.

Submission:

Ambry Genetics
Classification: Uncertain significance for Cardiovascular phenotype. Last evaluated: 2023-04-17. Review status: criteria provided, single submitter. Criteria: Ambry Variant Classification Scheme 2023. Collection method: clinical testing. Allele origin: germline.
Comment: The p.F26V variant (also known as c.76T>G), located in coding exon 1 of the GATA4 gene, results from a T to G substitution at nucleotide position 76. The phenylalanine at codon 26 is replaced by valine, an amino acid with highly similar properties. This amino acid position is highly conserved in available vertebrate species. In addition, the in silico prediction for this alteration is inconclusive. Since supporting evidence is limited at this time, the clinical significance of this alteration remains unclear.